The following is an entry in ClinVar:

ClinVar aggregate classification (germline): Uncertain significance (1 of 4 stars; one submission).

Allele frequency attached by ClinVar (database versions not stated): gnomAD exomes below 0.00001; ExAC 0.00001; TOPMed 0.00001; gnomAD 0.00003 and 0.00004.
gnomAD v4.1: 5 of 1,613,716 alleles (0.00031%); highest among the groups gnomAD compares: African/African-American, 0.0067%; no homozygotes.

Submission:

GeneDx
Classification: Uncertain significance. Last evaluated: 2022-01-24. Review status: criteria provided, single submitter. Criteria: GeneDx Variant Classification Process June 2021. Collection method: clinical testing. Allele origin: germline. Affected: yes.
Comment: In silico analysis supports that this missense variant does not alter protein structure/function; Has not been previously published as pathogenic or benign to our knowledge

NM_001352754.2(ARMC9):c.25T>C (p.Ser9Pro)

Gene: ARMC9 (armadillo repeat containing 9; plus strand). Cytogenetic location: 2q37.1.
Variant type: single nucleotide variant.
Coding change: c.25T>C on transcript NM_001352754.2 (MANE Select); coding-DNA position 25, T replaced by C.
Protein change: p.Ser9Pro; replaces serine 9 with proline.
Molecular consequence: missense variant. On other transcripts: non-coding transcript variant (1).
Genome position (GRCh38, 1-based): chr2:231,206,263, T>C. VCF-style: chr2-231206263-T-C. GRCh37 (hg19) VCF-style: chr2-232070976-T-C.
Other names: c.25T>C, p.Ser9Pro (NM_001271466.4, NM_001291656.2, NM_001352755.2 and 5 more transcripts); short protein forms S9P.
Identifiers: ClinVar variation 1700532 (VCV001700532.2), dbSNP rs774906944, ClinGen allele CA2159816.